The following is an entry in ClinVar:

NM_053025.4(MYLK):c.3652_3652+1del

Gene: MYLK (myosin light chain kinase; minus strand). Cytogenetic location: 3q21.1.
Variant type: Microsatellite.
Coding change: c.3652_3652+1del on transcript NM_053025.4 (MANE Select); coding-DNA position 3652 through the canonical splice donor site of the intron after coding-DNA position 3652, 2 bases deleted (AG; older notation c.3652_3652+1delAG).
Molecular consequence: splice donor variant.
Genome position (GRCh38, 1-based): chr3:123,682,223-123,682,224, CT deleted on the plus strand (AG on the coding strand, the reverse complement: MYLK is on the minus strand); deleting any 2 consecutive bases within chr3:123,682,223-123,682,227 gives the same sequence; the c. name uses the placement nearest the transcript's 3' end. VCF-style (leftmost placement, unchanged base first): chr3-123682222-ACT-A. GRCh37 (hg19) VCF-style: chr3-123401069-ACT-A.
Other names: c.3124_3124+1del (NM_001321309.2); c.3445_3445+1del (NM_053028.4, NM_053026.4); c.3652_3652+1del (NM_053027.4).
Identifiers: ClinVar variation 471724 (VCV000471724.10), dbSNP rs1553795301, ClinGen allele CA658657331.

ClinVar aggregate classification (germline): Pathogenic (1 of 4 stars; one submission).

Conditions:
Aortic aneurysm, familial thoracic 7 (AAT7). Also called: AORTIC DISSECTION, FAMILIAL, WITH OR WITHOUT AORTIC ANEURYSM. Identifiers: MedGen C3151077, MONDO:0013418, OMIM 613780.

Submission:

Labcorp Genetics (formerly Invitae), Labcorp
Classification: Pathogenic for Aortic aneurysm, familial thoracic 7. Last evaluated: 2023-06-06. Review status: criteria provided, single submitter. Criteria: Invitae Variant Classification Sherloc (09022015). Collection method: clinical testing. Allele origin: germline.
Comment: This sequence change creates a premature translational stop signal (Splice site) in the MYLK gene. This variant occurs within the aortic-specific isoform of MYLK. Loss-of-function variants in the aortic-specific isoform of MYLK are known to be pathogenic for thoracic aortic dissections (PMID: 21055718). For these reasons, this variant has been classified as Pathogenic. Algorithms developed to predict the effect of sequence changes on RNA splicing suggest that this variant may disrupt the consensus splice site. This variant is also known as c.3652_3652+1del. This premature translational stop signal has been observed in individual(s) with aortic dissection (Invitae). This variant is not present in population databases (gnomAD no frequency).

Literature cited by the submitters: PubMed 21055718.